The following is an entry in ClinVar:

NM_001130144.3(LTBP3):c.2718T>C (p.Gly906=)

Gene: LTBP3 (latent transforming growth factor beta binding protein 3; minus strand). Cytogenetic location: 11q13.1.
Variant type: single nucleotide variant.
Coding change: c.2718T>C on transcript NM_001130144.3 (MANE Select); coding-DNA position 2718, T replaced by C.
Protein change: p.Gly906=; no amino-acid change (glycine 906 retained).
Molecular consequence: synonymous variant.
Genome position (GRCh38, 1-based): chr11:65,541,607, A>G on the plus strand (T>C on the coding strand, the complement: LTBP3 is on the minus strand). VCF-style: chr11-65541607-A-G. GRCh37 (hg19) VCF-style: chr11-65309078-A-G.
Other names: c.2367T>C, p.Gly789= (NM_001164266.1); c.2718T>C, p.Gly906= (NM_021070.4).
Identifiers: ClinVar variation 4986193 (VCV004986193.1).

ClinVar aggregate classification (germline): Likely benign (1 of 4 stars; one submission).

Conditions:
LTBP3-related disorder. Also called: LTBP3-related condition.

Submission:

PreventionGenetics, part of Exact Sciences
Classification: Likely benign for LTBP3-related condition. Last evaluated: 2025-06-11. Review status: criteria provided, single submitter. Criteria: ACMG Guidelines, 2015. Collection method: clinical testing. Allele origin: germline.
Comment: This variant is classified as likely benign based on ACMG/AMP sequence variant interpretation guidelines (Richards et al. 2015 PMID: 25741868, with internal and published modifications).